The following is an entry in ClinVar:

ClinVar aggregate classification (germline): Uncertain significance (1 of 4 stars; one submission).

Submission:

GeneDx
Classification: Uncertain significance. Last evaluated: 2019-12-23. Review status: criteria provided, single submitter. Criteria: GeneDx Variant Classification Process June 2021. Collection method: clinical testing. Allele origin: germline. Affected: yes.
Comment: Not observed in large population cohorts (Lek et al., 2016); In silico analysis, which includes protein predictors and evolutionary conservation, supports a deleterious effect; Has not been previously published as pathogenic or benign to our knowledge

NM_001382347.1(MYO5A):c.3740T>C (p.Val1247Ala)

Gene: MYO5A (myosin VA; minus strand). Cytogenetic location: 15q21.2.
Variant type: single nucleotide variant.
Coding change: c.3740T>C on transcript NM_001382347.1 (MANE Select); coding-DNA position 3740, T replaced by C.
Protein change: p.Val1247Ala; replaces valine 1247 with alanine.
Molecular consequence: missense variant.
Genome position (GRCh38, 1-based): chr15:52,351,363, A>G on the plus strand (T>C on the coding strand, the complement: MYO5A is on the minus strand). VCF-style: chr15-52351363-A-G. GRCh37 (hg19) VCF-style: chr15-52643560-A-G.
Other names: c.3740T>C, p.Val1247Ala (NM_000259.3, NM_001142495.2); c.3812T>C, p.Val1271Ala (NM_001382348.1, NM_001382349.1); short protein forms V1247A, V1271A.
Identifiers: ClinVar variation 1311536 (VCV001311536.2), dbSNP rs2141019589, ClinGen allele CA392513140.